The following is an entry in ClinVar:

NM_001378120.1(MBD5):c.1433G>A (p.Gly478Glu)

Gene: MBD5 (methyl-CpG binding domain protein 5; plus strand). Cytogenetic location: 2q23.1.
Variant type: single nucleotide variant.
Coding change: c.1433G>A on transcript NM_001378120.1 (MANE Select); coding-DNA position 1433, G replaced by A.
Protein change: p.Gly478Glu; replaces glycine 478 with glutamic acid.
Molecular consequence: missense variant.
Genome position (GRCh38, 1-based): chr2:148,469,376, G>A. VCF-style: chr2-148469376-G-A. GRCh37 (hg19) VCF-style: chr2-149226945-G-A.
Other names: c.1433G>A, p.Gly478Glu (NM_018328.5); short protein forms G478E.
Identifiers: ClinVar variation 2695475 (VCV002695475.3), dbSNP rs2469865121, ClinGen allele CA348719680.

ClinVar aggregate classification (germline): Uncertain significance (1 of 4 stars; one submission).

Conditions:
Intellectual developmental disorder, autosomal dominant 1. Also called: Intellectual disability, autosomal dominant 1; MBD5 Haploinsufficiency. Identifiers: Orphanet 228402, MedGen C1969562, MONDO:0007974, OMIM 156200.

Submission:

Labcorp Genetics (formerly Invitae), Labcorp
Classification: Uncertain significance for Intellectual developmental disorder, autosomal dominant 1. Last evaluated: 2023-11-13. Review status: criteria provided, single submitter. Criteria: Invitae Variant Classification Sherloc (09022015). Collection method: clinical testing. Allele origin: germline.
Comment: This sequence change replaces glycine, which is neutral and non-polar, with glutamic acid, which is acidic and polar, at codon 478 of the MBD5 protein (p.Gly478Glu). This variant is not present in population databases (gnomAD no frequency). This variant has not been reported in the literature in individuals affected with MBD5-related conditions. Advanced modeling of protein sequence and biophysical properties (such as structural, functional, and spatial information, amino acid conservation, physicochemical variation, residue mobility, and thermodynamic stability) has been performed at Invitae for this missense variant, however the output from this modeling did not meet the statistical confidence thresholds required to predict the impact of this variant on MBD5 protein function. In summary, the available evidence is currently insufficient to determine the role of this variant in disease. Therefore, it has been classified as a Variant of Uncertain Significance.